The following is an entry in ClinVar:

NM_145290.4(ADGRA3):c.217G>C (p.Val73Leu)

Gene: ADGRA3 (adhesion G protein-coupled receptor A3; minus strand). Cytogenetic location: 4p15.2.
Variant type: single nucleotide variant.
Coding change: c.217G>C on transcript NM_145290.4 (MANE Select); coding-DNA position 217, G replaced by C.
Protein change: p.Val73Leu; replaces valine 73 with leucine.
Molecular consequence: missense variant.
Genome position (GRCh38, 1-based): chr4:22,515,568, C>G on the plus strand (G>C on the coding strand, the complement: ADGRA3 is on the minus strand). VCF-style: chr4-22515568-C-G. GRCh37 (hg19) VCF-style: chr4-22517191-C-G.
Other names: short protein forms V73L.
Identifiers: ClinVar variation 2747151 (VCV002747151.3), dbSNP rs2474931443, ClinGen allele CA356507623.

ClinVar aggregate classification (germline): Uncertain significance (1 of 4 stars; one submission).

gnomAD v4.1: 1 of 1,603,782 alleles (0.000062%); highest among the groups gnomAD compares: Non-Finnish European, 0.000085%; no homozygotes.

Submission:

Labcorp Genetics (formerly Invitae), Labcorp
Classification: Uncertain significance. Last evaluated: 2023-09-07. Review status: criteria provided, single submitter. Criteria: Invitae Variant Classification Sherloc (09022015). Collection method: clinical testing. Allele origin: germline.
Comment: In summary, the available evidence is currently insufficient to determine the role of this variant in disease. Therefore, it has been classified as a Variant of Uncertain Significance. An algorithm developed to predict the effect of missense changes on protein structure and function (PolyPhen-2) suggests that this variant is likely to be tolerated. This variant has not been reported in the literature in individuals affected with ADGRA3-related conditions. This variant is not present in population databases (gnomAD no frequency). This sequence change replaces valine, which is neutral and non-polar, with leucine, which is neutral and non-polar, at codon 73 of the ADGRA3 protein (p.Val73Leu).